The following is an entry in ClinVar:

ClinVar aggregate classification (germline): Likely pathogenic (1 of 4 stars; one submission).

Conditions:
Aicardi-Goutieres syndrome 5. Identifiers: Orphanet 51, MedGen C2749659, MONDO:0013059, OMIM 612952.

Submission:

Labcorp Genetics (formerly Invitae), Labcorp
Classification: Likely pathogenic for Aicardi-Goutieres syndrome 5. Last evaluated: 2022-01-16. Review status: criteria provided, single submitter. Criteria: Invitae Variant Classification Sherloc (09022015). Collection method: clinical testing. Allele origin: germline.
Comment: In summary, the currently available evidence indicates that the variant is pathogenic, but additional data are needed to prove that conclusively. Therefore, this variant has been classified as Likely Pathogenic. This variant has not been reported in the literature in individuals affected with SAMHD1-related conditions. This variant results in a copy number gain of the genomic region encompassing exon(s) 3 of the SAMHD1 gene. While the exact position of this variant cannot be determined from the data, sub-genic copy number gains are generally in tandem (PMID: 25640679). This variant is predicted to be out-of-frame, and may result in an absent or disrupted protein product. Loss-of-function variants in SAMHD1 are known to be pathogenic (PMID: 19525956, 22461318).

Literature cited by the submitters: PubMed 25640679; PubMed 19525956; PubMed 22461318.

NC_000020.10:g.(?_35569432)_(35569524_?)dup

Gene: SAMHD1 (SAM and HD domain containing deoxynucleoside triphosphate triphosphohydrolase 1; minus strand). Cytogenetic location: 20q11.23.
Variant type: Duplication.
Identifiers: ClinVar variation 2426162 (VCV002426162.4).